The following is an entry in ClinVar:

NM_198578.4(LRRK2):c.1289-6del

Gene: LRRK2 (leucine rich repeat kinase 2; plus strand). Cytogenetic location: 12q12.
Variant type: Deletion.
Coding change: c.1289-6del on transcript NM_198578.4 (MANE Select); 6 bases into the intron before coding-DNA position 1289, one base deleted (T; older notation c.1289-6delT).
Molecular consequence: intron variant.
Genome position (GRCh38, 1-based): chr12:40,257,242, T deleted. VCF-style (leftmost placement, unchanged base first): chr12-40257241-AT-A. GRCh37 (hg19) VCF-style: chr12-40651043-AT-A.
Identifiers: ClinVar variation 664397 (VCV000664397.10), dbSNP rs758855054, ClinGen allele CA6513341.

ClinVar aggregate classification (germline): Uncertain significance (1 of 4 stars; one submission).

Conditions:
Autosomal dominant Parkinson disease 8. Also called: Parkinson disease 8, susceptibility to; LRRK2-Related Parkinson Disease; Parkinson disease 8. Identifiers: Orphanet 411602, MedGen C1846862, MONDO:0011764, OMIM 607060.

Allele frequency attached by ClinVar (database versions not stated): ESP Exome Variant Server 0.00008; TOPMed 0.00003; ExAC 0.00004; gnomAD exomes 0.00002 and 0.00004; gnomAD 0.00004.

Submission:

Labcorp Genetics (formerly Invitae), Labcorp
Classification: Uncertain significance for Autosomal dominant Parkinson disease 8. Last evaluated: 2025-11-08. Review status: criteria provided, single submitter. Criteria: Invitae Variant Classification Sherloc (09022015). Collection method: clinical testing. Allele origin: germline.
Comment: This sequence change falls in intron 11 of the LRRK2 gene. It does not directly change the encoded amino acid sequence of the LRRK2 protein. This variant is present in population databases (rs758855054, gnomAD 0.004%). This variant has not been reported in the literature in individuals affected with LRRK2-related conditions. ClinVar contains an entry for this variant (Variation ID: 664397). Algorithms developed to predict the effect of sequence changes on RNA splicing suggest that this variant may disrupt the consensus splice site. In summary, the available evidence is currently insufficient to determine the role of this variant in disease. Therefore, it has been classified as a Variant of Uncertain Significance.